The following is an entry in ClinVar:

ClinVar aggregate classification (germline): Uncertain significance (1 of 4 stars; one submission).

Conditions:
Cardiovascular phenotype. Identifiers: MedGen CN230736.

Submission:

Ambry Genetics
Classification: Uncertain significance for Cardiovascular phenotype. Last evaluated: 2025-12-18. Review status: criteria provided, single submitter. Criteria: Ambry Variant Classification Scheme 2023. Collection method: clinical testing. Allele origin: germline.
Comment: The p.E63K variant (also known as c.187G>A), located in coding exon 2 of the ENG gene, results from a G to A substitution at nucleotide position 187. The glutamic acid at codon 63 is replaced by lysine, an amino acid with similar properties. This amino acid position is conserved. In addition, the in silico prediction for this alteration is inconclusive. Based on the available evidence, the clinical significance of this variant remains unclear.

NM_001114753.3(ENG):c.187G>A (p.Glu63Lys)

Gene: ENG (endoglin; minus strand). Cytogenetic location: 9q34.11.
Variant type: single nucleotide variant.
Coding change: c.187G>A on transcript NM_001114753.3 (MANE Select); coding-DNA position 187, G replaced by A.
Protein change: p.Glu63Lys; replaces glutamic acid 63 with lysine.
Molecular consequence: missense variant. On other transcripts: 5 prime UTR variant (1).
Genome position (GRCh38, 1-based): chr9:127,843,126, C>T on the plus strand (G>A on the coding strand, the complement: ENG is on the minus strand). VCF-style: chr9-127843126-C-T. GRCh37 (hg19) VCF-style: chr9-130605405-C-T.
Other names: c.-360G>A (NM_001278138.2); c.187G>A, p.Glu63Lys (NM_001406715.1, NM_000118.4); short protein forms E63K.
Identifiers: ClinVar variation 4836761 (VCV004836761.1).